The following is an entry in ClinVar:

ClinVar aggregate classification (germline): Uncertain significance (1 of 4 stars; one submission).

Conditions:
GM1 gangliosidosis. Identifiers: Orphanet 354, MedGen C0085131, MONDO:0018149.
Mucopolysaccharidosis, MPS-IV-B (MPS4B). Also called: Mucopolysaccharidosis type IV B; Mucopolysaccharidosis type 4B; MORQUIO SYNDROME B; Mucopolysaccharidosis type IVB (Morquio); MPS IVB; Mucopolysaccharidosis Type IVB. Identifiers: Orphanet 309310, Orphanet 582, MedGen C0086652, MONDO:0009660, OMIM 253010.

Allele frequency attached by ClinVar (database versions not stated): gnomAD 0.00001; gnomAD exomes 0.00001; ExAC 0.00002; 1000 Genomes Project 0.00020; 1000 Genomes Project 30x 0.00031.
gnomAD v4.1: 10 of 1,614,126 alleles (0.00062%); highest among the groups gnomAD compares: Admixed American, 0.0017%; no homozygotes.

Submission:

Labcorp Genetics (formerly Invitae), Labcorp
Classification: Uncertain significance for Mucopolysaccharidosis, MPS-IV-B; GM1 gangliosidosis. Last evaluated: 2022-07-17. Review status: criteria provided, single submitter. Criteria: Invitae Variant Classification Sherloc (09022015). Collection method: clinical testing. Allele origin: germline.
Comment: This sequence change falls in intron 15 of the GLB1 gene. It does not directly change the encoded amino acid sequence of the GLB1 protein. It affects a nucleotide within the consensus splice site. This variant is present in population databases (rs559694814, gnomAD 0.003%). This variant has not been reported in the literature in individuals affected with GLB1-related conditions. Variants that disrupt the consensus splice site are a relatively common cause of aberrant splicing (PMID: 17576681, 9536098). Algorithms developed to predict the effect of sequence changes on RNA splicing suggest that this variant is not likely to affect RNA splicing. In summary, the available evidence is currently insufficient to determine the role of this variant in disease. Therefore, it has been classified as a Variant of Uncertain Significance.

Literature cited by the submitters: PubMed 17576681; PubMed 9536098.

NM_000404.4(GLB1):c.1734+4C>T

Gene: GLB1 (galactosidase beta 1; minus strand). Cytogenetic location: 3p22.3.
Variant type: single nucleotide variant.
Coding change: c.1734+4C>T on transcript NM_000404.4 (MANE Select); 4 bases into the intron after coding-DNA position 1734, C replaced by T.
Molecular consequence: intron variant.
Genome position (GRCh38, 1-based): chr3:33,014,052, G>A on the plus strand (C>T on the coding strand, the complement: GLB1 is on the minus strand). VCF-style: chr3-33014052-G-A. GRCh37 (hg19) VCF-style: chr3-33055544-G-A.
Other names: c.1734+4C>T (NM_001393580.1); c.1341+4C>T (NM_001135602.3); c.1878+4C>T (NM_001317040.2); c.1644+4C>T (NM_001079811.3).
Identifiers: ClinVar variation 1908830 (VCV001908830.2), dbSNP rs559694814, ClinGen allele CA2299320.